The following is an entry in ClinVar:

NM_021930.6(RINT1):c.2126C>T (p.Thr709Ile)

Genes: EFCAB10 (EF-hand calcium binding domain 10; minus strand), RINT1 (RAD50 interactor 1; plus strand). Cytogenetic location: 7q22.3.
Variant type: single nucleotide variant.
Coding change: c.2126C>T on transcript NM_021930.6 (MANE Select); coding-DNA position 2126, C replaced by T.
Protein change: p.Thr709Ile; replaces threonine 709 with isoleucine.
Molecular consequence: missense variant. On other transcripts: synonymous variant (1), non-coding transcript variant (1), intron variant (2).
Genome position (GRCh38, 1-based): chr7:105,565,588, C>T. VCF-style: chr7-105565588-C-T. GRCh37 (hg19) VCF-style: chr7-105206035-C-T.
Other names: c.411G>A, p.Glu137= (NM_001355530.2); c.1892C>T, p.Thr631Ile (NM_001346599.2); c.1103C>T, p.Thr368Ile (NM_001346600.2, NM_001346603.2); c.1202C>T, p.Thr401Ile (NM_001346601.2); c.360-141G>A (NM_001355531.2); c.384-141G>A (NM_001355526.2); short protein forms T709I, T631I, T368I, T401I.
Identifiers: ClinVar variation 410802 (VCV000410802.11), dbSNP rs1060503048, ClinGen allele CA16612066.

ClinVar aggregate classification (germline): Uncertain significance. Review status: criteria provided, multiple submitters, no conflicts (2 of 4 stars). 2 submissions from 2 submitters: Uncertain significance (2). Last evaluated 2023-12-07.

Allele frequency attached by ClinVar (database versions not stated): gnomAD exomes below 0.00001.
gnomAD v4.1: 3 of 1,613,966 alleles (0.00019%); highest among the groups gnomAD compares: Non-Finnish European, 0.00025%; no homozygotes.

Submissions (2):

Ambry Genetics
Classification: Uncertain significance. Last evaluated: 2023-12-07. Review status: criteria provided, single submitter. Criteria: Ambry Variant Classification Scheme 2023. Collection method: clinical testing. Allele origin: germline.
Comment: The p.T709I variant (also known as c.2126C>T), located in coding exon 14 of the RINT1 gene, results from a C to T substitution at nucleotide position 2126. The threonine at codon 709 is replaced by isoleucine, an amino acid with similar properties. This amino acid position is conserved. In addition, this alteration is predicted to be tolerated by in silico analysis. Since supporting evidence is limited at this time, the clinical significance of this alteration remains unclear.

Labcorp Genetics (formerly Invitae), Labcorp
Classification: Uncertain significance. Last evaluated: 2023-03-26. Review status: criteria provided, single submitter. Criteria: Invitae Variant Classification Sherloc (09022015). Collection method: clinical testing. Allele origin: germline.
Comment: This sequence change replaces threonine, which is neutral and polar, with isoleucine, which is neutral and non-polar, at codon 709 of the RINT1 protein (p.Thr709Ile). This variant is not present in population databases (gnomAD no frequency). This variant has not been reported in the literature in individuals affected with RINT1-related conditions. ClinVar contains an entry for this variant (Variation ID: 410802). An algorithm developed to predict the effect of missense changes on protein structure and function (PolyPhen-2) suggests that this variant is likely to be disruptive. In summary, the available evidence is currently insufficient to determine the role of this variant in disease. Therefore, it has been classified as a Variant of Uncertain Significance.